The following is an entry in ClinVar:

NM_016069.11(PAM16):c.307G>A (p.Glu103Lys)

Genes: CORO7-PAM16 (CORO7-PAM16 readthrough; minus strand), PAM16 (presequence translocase associated motor 16; minus strand). Cytogenetic location: 16p13.3.
Variant type: single nucleotide variant.
Coding change: c.307G>A on transcript NM_016069.11 (MANE Select); coding-DNA position 307, G replaced by A.
Protein change: p.Glu103Lys; replaces glutamic acid 103 with lysine.
Molecular consequence: missense variant.
Genome position (GRCh38, 1-based): chr16:4,340,390, C>T on the plus strand (G>A on the coding strand, the complement: PAM16 is on the minus strand). VCF-style: chr16-4340390-C-T. GRCh37 (hg19) VCF-style: chr16-4390391-C-T.
Other names: c.3076G>A, p.Glu1026Lys (NM_001201479.2); short protein forms E1026K, E103K.
Identifiers: ClinVar variation 1517664 (VCV001517664.8), dbSNP rs1314344232, ClinGen allele CA394602471.

ClinVar aggregate classification (germline): Uncertain significance (1 of 4 stars; one submission).

Allele frequency attached by ClinVar (database versions not stated): TOPMed below 0.00001; gnomAD exomes 0.00001.

Submission:

Labcorp Genetics (formerly Invitae), Labcorp
Classification: Uncertain significance. Last evaluated: 2022-08-16. Review status: criteria provided, single submitter. Criteria: Invitae Variant Classification Sherloc (09022015). Collection method: clinical testing. Allele origin: germline.
Comment: In summary, the available evidence is currently insufficient to determine the role of this variant in disease. Therefore, it has been classified as a Variant of Uncertain Significance. Algorithms developed to predict the effect of missense changes on protein structure and function are either unavailable or do not agree on the potential impact of this missense change (SIFT: "Deleterious"; PolyPhen-2: "Probably Damaging"; Align-GVGD: "Class C0"). ClinVar contains an entry for this variant (Variation ID: 1517664). This variant has not been reported in the literature in individuals affected with PAM16-related conditions. This variant is present in population databases (no rsID available, gnomAD 0.002%). This sequence change replaces glutamic acid, which is acidic and polar, with lysine, which is basic and polar, at codon 103 of the PAM16 protein (p.Glu103Lys).